The following is an entry in ClinVar:

ClinVar aggregate classification (germline): Uncertain significance (1 of 4 stars; one submission).

Conditions:
Bilateral frontoparietal polymicrogyria. Also called: CORTICAL DYSPLASIA, COMPLEX, WITH OTHER BRAIN MALFORMATIONS 14A (BILATERAL FRONTOPARIETAL); CEREBELLAR ATAXIA WITH NEURONAL MIGRATION DEFECT. Identifiers: Orphanet 101070, MedGen C1847352, MONDO:0011738, OMIM 606854.

Allele frequency attached by ClinVar (database versions not stated): gnomAD exomes below 0.00001.
gnomAD v4.1: 1 of 1,611,152 alleles (0.000062%); highest among the groups gnomAD compares: South Asian, 0.0011%; no homozygotes.

Submission:

3billion
Classification: Uncertain significance for Bilateral frontoparietal polymicrogyria. Last evaluated: 2022-05-22. Review status: criteria provided, single submitter. Criteria: ACMG Guidelines, 2015. Collection method: clinical testing. Allele origin: germline. Affected: yes. Observed: 1 homozygote.
Comment: The variant is observed at an extremely low frequency in the gnomAD v2.1.1 dataset (total allele frequency: <0.001%). In silico tool predictions suggest damaging effect of the variant on gene or gene product (REVEL: 0.94; 3Cnet: 0.82). Therefore, this variant is classified as uncertain significanceaccording to the recommendation of ACMG/AMP guideline.

NM_201525.4(ADGRG1):c.1148C>T (p.Thr383Ile)

Gene: ADGRG1 (adhesion G protein-coupled receptor G1; plus strand). Cytogenetic location: 16q21.
Variant type: single nucleotide variant.
Coding change: c.1148C>T on transcript NM_201525.4 (MANE Select); coding-DNA position 1148, C replaced by T.
Protein change: p.Thr383Ile; replaces threonine 383 with isoleucine.
Molecular consequence: missense variant.
Genome position (GRCh38, 1-based): chr16:57,656,598, C>T. VCF-style: chr16-57656598-C-T. GRCh37 (hg19) VCF-style: chr16-57690510-C-T.
Other names: c.1148C>T, p.Thr383Ile (NM_001145770.3, NM_001145771.3, NM_001145772.3 and 14 more transcripts); c.1163C>T, p.Thr388Ile (NM_001145773.3, NM_001370433.1); c.638C>T, p.Thr213Ile (NM_001290142.2); c.623C>T, p.Thr208Ile (NM_001290143.2, NM_001290144.2, NM_001370451.1 and 2 more transcripts); c.1145C>T, p.Thr382Ile (NM_001370434.1, NM_001370441.1); c.992C>T, p.Thr331Ile (NM_001370442.1); short protein forms T208I, T213I, T331I, T382I, T383I, T388I.
Identifiers: ClinVar variation 1687320 (VCV001687320.1), dbSNP rs1305914929, ClinGen allele CA396048993.